The following is an entry in ClinVar:

ClinVar aggregate classification (germline): Uncertain significance (1 of 4 stars; one submission).

Conditions:
Vissers-Bodmer syndrome. Identifiers: MedGen C5436647, MONDO:0033618, OMIM 619033.

Submission:

Institute of Human Genetics, University of Leipzig Medical Center
Classification: Uncertain significance for Vissers-Bodmer syndrome. Last evaluated: 2025-12-08. Review status: criteria provided, single submitter. Criteria: ACMG Guidelines, 2015. Collection method: clinical testing. Allele origin: unknown. Inheritance: Autosomal dominant inheritance. Affected: yes.
Comment: Criteria applied: PM2,PM4_SUP

NM_016284.5(CNOT1):c.1771CGT[1] (p.Arg592del)

Gene: CNOT1 (CCR4-NOT transcription complex subunit 1; minus strand). Cytogenetic location: 16q21.
Variant type: Microsatellite.
Coding change: c.1771CGT[1] on transcript NM_016284.5 (MANE Select); one copy of the 3-base unit CGT starting at c.1771; the reference has two copies in a row; one copy, 3 bases deleted; also written c.1774_1776del.
Protein change: p.Arg592del; deletes arginine 592.
Molecular consequence: inframe deletion. On other transcripts: non-coding transcript variant (1).
Genome position (GRCh38, 1-based): chr16:58,575,058-58,575,060, ACG deleted on the plus strand (CGT on the coding strand, the reverse complement: CNOT1 is on the minus strand); deleting any 3 consecutive bases within chr16:58,575,058-58,575,063 gives the same sequence; the position shown is the placement nearest the transcript's 3' end. VCF-style (leftmost placement, unchanged base first): chr16-58575057-CACG-C. GRCh37 (hg19) VCF-style: chr16-58608961-CACG-C.
Other names: c.1771CGT[1], p.Arg592del (NM_001265612.2, NM_206999.3); c.1774_1776del (NM_016284.5); short protein forms R592del.
Identifiers: ClinVar variation 4683116 (VCV004683116.1).